The following is an entry in ClinVar:

ClinVar aggregate classification (germline): Uncertain significance. Review status: criteria provided, multiple submitters, no conflicts (2 of 4 stars). 3 submissions from 3 submitters: Uncertain significance (3). Last evaluated 2025-11-12.

Conditions:
Acrocallosal syndrome (ACLS). Also called: Schinzel syndrome 1; Absence of corpus callosum with unusual facial appearance, mental deficiency, duplication of the halluces and polydactyly; HALLUX DUPLICATION, POSTAXIAL POLYDACTYLY, AND ABSENCE OF CORPUS CALLOSUM. Identifiers: Orphanet 36, MedGen C0796147, MONDO:0008708, OMIM 200990.
Inborn genetic diseases. Identifiers: MedGen C0950123, MeSH D030342.

Allele frequency attached by ClinVar (database versions not stated): ExAC 0.00001; gnomAD exomes 0.00001; TOPMed 0.00002.

Submissions (3):

Ambry Genetics
Classification: Uncertain significance for Inborn genetic diseases. Last evaluated: 2025-11-12. Review status: criteria provided, single submitter. Criteria: Ambry Variant Classification Scheme 2023. Collection method: clinical testing. Allele origin: germline.

Labcorp Genetics (formerly Invitae), Labcorp
Classification: Uncertain significance for Acrocallosal syndrome. Last evaluated: 2022-02-01. Review status: criteria provided, single submitter. Criteria: Invitae Variant Classification Sherloc (09022015). Collection method: clinical testing. Allele origin: germline.
Comment: In summary, the available evidence is currently insufficient to determine the role of this variant in disease. Therefore, it has been classified as a Variant of Uncertain Significance. Algorithms developed to predict the effect of missense changes on protein structure and function are either unavailable or do not agree on the potential impact of this missense change (SIFT: "Deleterious"; PolyPhen-2: "Benign"; Align-GVGD: "Class C0"). This variant has not been reported in the literature in individuals affected with KIF7-related conditions. This variant is present in population databases (rs771532005, gnomAD 0.003%). This sequence change replaces methionine, which is neutral and non-polar, with lysine, which is basic and polar, at codon 1335 of the KIF7 protein (p.Met1335Lys).

Blueprint Genetics
Classification: Uncertain significance. Last evaluated: 2018-10-31. Review status: criteria provided, single submitter. Criteria: ACMG Guidelines, 2015. Collection method: clinical testing. Allele origin: germline.

NM_198525.3(KIF7):c.4004T>A (p.Met1335Lys)

Gene: KIF7 (kinesin family member 7; minus strand). Cytogenetic location: 15q26.1.
Variant type: single nucleotide variant.
Coding change: c.4004T>A on transcript NM_198525.3 (MANE Select); coding-DNA position 4004, T replaced by A.
Protein change: p.Met1335Lys; replaces methionine 1335 with lysine.
Molecular consequence: missense variant.
Genome position (GRCh38, 1-based): chr15:89,628,447, A>T on the plus strand (T>A on the coding strand, the complement: KIF7 is on the minus strand). VCF-style: chr15-89628447-A-T. GRCh37 (hg19) VCF-style: chr15-90171678-A-T.
Other names: c.4004T>A (NM_198525.2); short protein forms M1335K.
Identifiers: ClinVar variation 1500996 (VCV001500996.8), dbSNP rs771532005, ClinGen allele CA7727448.
Genomic context (GRCh38, chr15:89,628,447, plus strand): 5'-TCTCCCTCCAAGGCAGGGTCTGCCCCGAGGGCTTACAGGGGGTTTTTCCGGACATCAATC[A>T]TCCCCGGGCTGGCTCGTCGCAGTTCCCGCCGGGGCTTGGACAAAGGCCCAAAGTTCCAGG-3'
Protein context (NP_940927.2, residues 1325-1343): RRELRRASPG[Met1335Lys]IDVRKNPL